The following is an entry in ClinVar:

NM_033124.5(DRC2):c.930A>T (p.Gln310His)

Gene: DRC2 (dynein regulatory complex subunit 2; plus strand). Cytogenetic location: 12q13.12.
Variant type: single nucleotide variant.
Coding change: c.930A>T on transcript NM_033124.5 (MANE Select); coding-DNA position 930, A replaced by T.
Protein change: p.Gln310His; replaces glutamine 310 with histidine.
Molecular consequence: missense variant.
Genome position (GRCh38, 1-based): chr12:48,918,807, A>T. VCF-style: chr12-48918807-A-T. GRCh37 (hg19) VCF-style: chr12-49312590-A-T.
Other names: c.501A>T, p.Gln167His (NM_001286957.2); short protein forms Q167H, Q310H.
Identifiers: ClinVar variation 934653 (VCV000934653.7), dbSNP rs751598087, ClinGen allele CA6543377.

ClinVar aggregate classification (germline): Uncertain significance (1 of 4 stars; one submission).

Conditions:
Primary ciliary dyskinesia 27. Also called: CILIARY DYSKINESIA, PRIMARY, 27, WITHOUT SITUS INVERSUS. Identifiers: Orphanet 244, MedGen C3809701, MONDO:0014215, OMIM 615504.

Allele frequency attached by ClinVar (database versions not stated): gnomAD exomes below 0.00001 and 0.00001; ExAC 0.00001; TOPMed 0.00001.
gnomAD v4.1: 9 of 1,614,148 alleles (0.00056%); highest among the groups gnomAD compares: East Asian, 0.0022%; no homozygotes.

Submission:

Labcorp Genetics (formerly Invitae), Labcorp
Classification: Uncertain significance for Primary ciliary dyskinesia 27. Last evaluated: 2021-08-31. Review status: criteria provided, single submitter. Criteria: Invitae Variant Classification Sherloc (09022015). Collection method: clinical testing. Allele origin: germline.
Comment: This sequence change replaces glutamine with histidine at codon 310 of the CCDC65 protein (p.Gln310His). The glutamine residue is highly conserved and there is a small physicochemical difference between glutamine and histidine. This variant is present in population databases (rs751598087, ExAC 0.01%). This variant has not been reported in the literature in individuals affected with CCDC65-related conditions. Algorithms developed to predict the effect of missense changes on protein structure and function are either unavailable or do not agree on the potential impact of this missense change (SIFT: "Deleterious"; PolyPhen-2: "Possibly Damaging"; Align-GVGD: "Class C0"). In summary, the available evidence is currently insufficient to determine the role of this variant in disease. Therefore, it has been classified as a Variant of Uncertain Significance.